The following is an entry in ClinVar:

NM_001430.5(EPAS1):c.667A>C (p.Ile223Leu)

Genes: EPAS1 (endothelial PAS domain protein 1; plus strand), LOC126806210 (BRD4-independent group 4 enhancer GRCh37_chr2:46587586-46588785; plus strand). Cytogenetic location: 2p21.
Variant type: single nucleotide variant.
Coding change: c.667A>C on transcript NM_001430.5 (MANE Select); coding-DNA position 667, A replaced by C.
Protein change: p.Ile223Leu; replaces isoleucine 223 with leucine.
Molecular consequence: missense variant.
Genome position (GRCh38, 1-based): chr2:46,360,978, A>C. VCF-style: chr2-46360978-A-C. GRCh37 (hg19) VCF-style: chr2-46588117-A-C.
Other names: short protein forms I223L.
Identifiers: ClinVar variation 2397651 (VCV002397651.3), dbSNP rs1463199855, ClinGen allele CA346700070.

ClinVar aggregate classification (germline): Uncertain significance. Review status: criteria provided, multiple submitters, no conflicts (2 of 4 stars). 2 submissions from 2 submitters: Uncertain significance (2). Last evaluated 2025-04-13.

Conditions:
Inborn genetic diseases. Identifiers: MedGen C0950123, MeSH D030342.

Allele frequency attached by ClinVar (database versions not stated): TOPMed 0.00001; gnomAD 0.00002; gnomAD exomes 0.00002.
gnomAD v4.1: 33 of 1,614,028 alleles (0.002%); highest among the groups gnomAD compares: Non-Finnish European, 0.0027%; no homozygotes.

Submissions (2):

Labcorp Genetics (formerly Invitae), Labcorp
Classification: Uncertain significance. Last evaluated: 2025-04-13. Review status: criteria provided, single submitter. Criteria: Invitae Variant Classification Sherloc (09022015). Collection method: clinical testing. Allele origin: germline.
Comment: This sequence change replaces isoleucine, which is neutral and non-polar, with leucine, which is neutral and non-polar, at codon 223 of the EPAS1 protein (p.Ile223Leu). This variant is present in population databases (no rsID available, gnomAD 0.002%). This variant has not been reported in the literature in individuals affected with EPAS1-related conditions. ClinVar contains an entry for this variant (Variation ID: 2397651). An algorithm developed to predict the effect of missense changes on protein structure and function (PolyPhen-2) suggests that this variant is likely to be tolerated. In summary, the available evidence is currently insufficient to determine the role of this variant in disease. Therefore, it has been classified as a Variant of Uncertain Significance.

Ambry Genetics
Classification: Uncertain significance for Inborn genetic diseases. Last evaluated: 2022-10-04. Review status: criteria provided, single submitter. Criteria: Ambry Variant Classification Scheme 2023. Collection method: clinical testing. Allele origin: germline.